The following is an entry in ClinVar:

ClinVar aggregate classification (germline): Likely benign. Review status: criteria provided, multiple submitters, no conflicts (2 of 4 stars). 2 submissions from 2 submitters: Likely benign (2). Last evaluated 2024-06-09.

Conditions:
Catecholaminergic polymorphic ventricular tachycardia 1. Also called: VENTRICULAR TACHYCARDIA, CATECHOLAMINERGIC POLYMORPHIC, 1, WITH OR WITHOUT ATRIAL DYSFUNCTION AND/OR DILATED CARDIOMYOPATHY; VENTRICULAR TACHYCARDIA, STRESS-INDUCED POLYMORPHIC 1; RYR2-Related Catecholaminergic Polymorphic Ventricular Tachycardia. Identifiers: Orphanet 3286, MedGen C1631597, MONDO:0011484, OMIM 604772.
Catecholaminergic polymorphic ventricular tachycardia (CVPT). Also called: Catecholamine-induced polymorphic ventricular tachycardia. Identifiers: Orphanet 3286, MedGen C5574922, MONDO:0017990.

Allele frequency attached by ClinVar (database versions not stated): gnomAD exomes below 0.00001.
gnomAD v4.1: 1 of 1,568,052 alleles (0.000064%); highest among the groups gnomAD compares: Non-Finnish European, 0.000087%; no homozygotes.

Submissions (2):

All of Us Research Program, National Institutes of Health
Classification: Likely benign for Catecholaminergic polymorphic ventricular tachycardia. Last evaluated: 2024-06-09. Review status: criteria provided, single submitter. Criteria: ACMG Guidelines, 2015. Collection method: clinical testing. Allele origin: germline. Inheritance: Autosomal dominant inheritance. Observed: 1 variant allele, 1 heterozygote.
Comment: This study involves interpretation of variants in research participants for the purpose of population health screening. Participant phenotype was not available at the time of variant classification. Additional details can be found in publication PMID: 35346344, PMCID: PMC8962531

Labcorp Genetics (formerly Invitae), Labcorp
Classification: Likely benign for Catecholaminergic polymorphic ventricular tachycardia 1. Last evaluated: 2023-02-10. Review status: criteria provided, single submitter. Criteria: Invitae Variant Classification Sherloc (09022015). Collection method: clinical testing. Allele origin: germline.

NM_001035.3(RYR2):c.11133G>A (p.Val3711=)

Gene: RYR2 (ryanodine receptor 2; plus strand). Cytogenetic location: 1q43.
Variant type: single nucleotide variant.
Coding change: c.11133G>A on transcript NM_001035.3 (MANE Select); coding-DNA position 11133, G replaced by A.
Protein change: p.Val3711=; no amino-acid change (valine 3711 retained).
Molecular consequence: synonymous variant.
Genome position (GRCh38, 1-based): chr1:237,742,337, G>A. VCF-style: chr1-237742337-G-A. GRCh37 (hg19) VCF-style: chr1-237905637-G-A.
Identifiers: ClinVar variation 3014540 (VCV003014540.4), dbSNP rs2527201618, ClinGen allele CA423821324.